The following is an entry in ClinVar:

ClinVar aggregate classification (germline): Likely benign (1 of 4 stars; one submission).

Allele frequency attached by ClinVar (database versions not stated): gnomAD exomes below 0.00001; gnomAD 0.00001; TOPMed 0.00001.
gnomAD v4.1: 6 of 1,587,058 alleles (0.00038%); highest among the groups gnomAD compares: Non-Finnish European, 0.00051%; no homozygotes.

Submission:

GeneDx
Classification: Likely benign. Last evaluated: 2015-12-03. Review status: criteria provided, single submitter. Criteria: GeneDx Variant Classification (06012015). Collection method: clinical testing. Allele origin: germline. Affected: yes.
Comment: This variant is considered likely benign or benign based on one or more of the following criteria: it is a conservative change, it occurs at a poorly conserved position in the protein, it is predicted to be benign by multiple in silico algorithms, and/or has population frequency not consistent with disease.

NM_005726.6(TSFM):c.-8C>A

Gene: TSFM (Ts translation elongation factor, mitochondrial; plus strand). Cytogenetic location: 12q14.1.
Variant type: single nucleotide variant.
Coding change: c.-8C>A on transcript NM_005726.6 (MANE Select); 8 bases upstream of the start codon, C replaced by A.
Molecular consequence: 5 prime UTR variant.
Genome position (GRCh38, 1-based): chr12:57,782,794, C>A. VCF-style: chr12-57782794-C-A. GRCh37 (hg19) VCF-style: chr12-58176577-C-A.
Other names: c.-8C>A (NM_001172695.2, NM_001172696.2, NM_001172697.2).
Identifiers: ClinVar variation 381395 (VCV000381395.1), dbSNP rs983238298, ClinGen allele CA16607397.